The following is an entry in ClinVar:

NM_015662.3(IFT172):c.4991G>A (p.Arg1664Gln)

Genes: IFT172 (intraflagellar transport 172; minus strand), KRTCAP3 (keratinocyte associated protein 3; plus strand). Cytogenetic location: 2p23.3.
Variant type: single nucleotide variant.
Coding change: c.4991G>A on transcript NM_015662.3 (MANE Select); coding-DNA position 4991, G replaced by A.
Protein change: p.Arg1664Gln; replaces arginine 1664 with glutamine.
Molecular consequence: missense variant. On other transcripts: intron variant (1).
Genome position (GRCh38, 1-based): chr2:27,445,373, C>T on the plus strand (G>A on the coding strand, the complement: IFT172 is on the minus strand). VCF-style: chr2-27445373-C-T. GRCh37 (hg19) VCF-style: chr2-27668240-C-T.
Other names: c.4925G>A, p.Arg1642Gln (NM_001410739.1); c.*6-928C>T (NM_001168364.2); c.4991G>A (NM_015662.1); short protein forms R1664Q, R1642Q.
Identifiers: ClinVar variation 964187 (VCV000964187.12), dbSNP rs749884570, ClinGen allele CA1579396.

ClinVar aggregate classification (germline): Uncertain significance. Review status: criteria provided, multiple submitters, no conflicts (2 of 4 stars). 4 submissions from 4 submitters: Uncertain significance (3). 1 of the submissions does not count toward it. Last evaluated 2024-01-05.

Conditions:
IFT172-related disorder. Also called: IFT172-related condition; IFT172-related disorders.
Bardet-Biedl syndrome 20. Identifiers: MedGen C4310707, MONDO:0023670, OMIM 619471, MONDO:0014926.
Retinitis pigmentosa 71 (RP71). Identifiers: Orphanet 791, MedGen C4225342, MONDO:0014618, OMIM 616394.
Short-rib thoracic dysplasia 10 with or without polydactyly (SRTD10). Identifiers: Orphanet 474, MedGen C3810175, MONDO:0014284, OMIM 615630.
Inborn genetic diseases. Identifiers: MedGen C0950123, MeSH D030342.

Allele frequency attached by ClinVar (database versions not stated): gnomAD exomes below 0.00001 and 0.00001; TOPMed 0.00002; gnomAD 0.00001; ExAC 0.00002.
gnomAD v4.1: 5 of 1,612,852 alleles (0.00031%); highest among the groups gnomAD compares: African/African-American, 0.004%; no homozygotes.

Submissions (4):

Fulgent Genetics
Classification: Uncertain significance for Short-rib thoracic dysplasia 10 with or without polydactyly; Retinitis pigmentosa 71; Bardet-Biedl syndrome 20. Last evaluated: 2024-01-05. Review status: criteria provided, single submitter. Criteria: ACMG Guidelines, 2015. Collection method: clinical testing. Allele origin: germline.

Ambry Genetics
Classification: Uncertain significance for Inborn genetic diseases. Last evaluated: 2022-12-05. Review status: criteria provided, single submitter. Criteria: Ambry Variant Classification Scheme 2023. Collection method: clinical testing. Allele origin: germline.

Labcorp Genetics (formerly Invitae), Labcorp
Classification: Uncertain significance for Retinitis pigmentosa 71; Short-rib thoracic dysplasia 10 with or without polydactyly. Last evaluated: 2022-06-04. Review status: criteria provided, single submitter. Criteria: Invitae Variant Classification Sherloc (09022015). Collection method: clinical testing. Allele origin: germline.
Comment: This sequence change replaces arginine, which is basic and polar, with glutamine, which is neutral and polar, at codon 1664 of the IFT172 protein (p.Arg1664Gln). This variant is present in population databases (rs749884570, gnomAD 0.008%). This variant has not been reported in the literature in individuals affected with IFT172-related conditions. ClinVar contains an entry for this variant (Variation ID: 964187). Algorithms developed to predict the effect of missense changes on protein structure and function output the following: SIFT: "Tolerated"; PolyPhen-2: "Benign"; Align-GVGD: "Class C0". The glutamine amino acid residue is found in multiple mammalian species, which suggests that this missense change does not adversely affect protein function. Algorithms developed to predict the effect of sequence changes on RNA splicing suggest that this variant may create or strengthen a splice site. In summary, the available evidence is currently insufficient to determine the role of this variant in disease. Therefore, it has been classified as a Variant of Uncertain Significance.

PreventionGenetics, part of Exact Sciences
Classification: Uncertain significance for IFT172-related condition. Last evaluated: 2024-01-23. Review status: no assertion criteria provided. Collection method: clinical testing. Allele origin: germline. Not counted in ClinVar's aggregate classification.
Comment: The IFT172 c.4991G>A variant is predicted to result in the amino acid substitution p.Arg1664Gln. To our knowledge, this variant has not been reported in the literature. This variant is reported in 0.0082% of alleles in individuals of African descent in gnomAD. At this time, the clinical significance of this variant is uncertain due to the absence of conclusive functional and genetic evidence.